The following is an entry in ClinVar:

ClinVar aggregate classification (germline): Uncertain significance (1 of 4 stars; one submission).

Conditions:
Hereditary cancer-predisposing syndrome. Also called: Neoplastic Syndromes, Hereditary; Tumor predisposition; Hereditary neoplastic syndrome; Hereditary Cancer Syndrome. Identifiers: Orphanet 140162, MedGen C0027672, MeSH D009386, MONDO:0015356.
Cardiovascular phenotype. Identifiers: MedGen CN230736.

Submission:

Ambry Genetics
Classification: Uncertain significance for Cardiovascular phenotype; Hereditary cancer-predisposing syndrome. Last evaluated: 2023-12-29. Review status: criteria provided, single submitter. Criteria: Ambry Variant Classification Scheme 2023. Collection method: clinical testing. Allele origin: germline.
Comment: The p.H407L variant (also known as c.1220A>T), located in coding exon 11 of the NF1 gene, results from an A to T substitution at nucleotide position 1220. The histidine at codon 407 is replaced by leucine, an amino acid with similar properties. This amino acid position is conserved. In addition, this alteration is predicted to be deleterious by in silico analysis. Since supporting evidence is limited at this time, the clinical significance of this alteration remains unclear.

NM_001042492.3(NF1):c.1220A>T (p.His407Leu)

Gene: NF1 (neurofibromin 1; plus strand). Cytogenetic location: 17q11.2.
Variant type: single nucleotide variant.
Coding change: c.1220A>T on transcript NM_001042492.3 (MANE Select); coding-DNA position 1220, A replaced by T.
Protein change: p.His407Leu; replaces histidine 407 with leucine.
Molecular consequence: missense variant.
Genome position (GRCh38, 1-based): chr17:31,201,445, A>T. VCF-style: chr17-31201445-A-T. GRCh37 (hg19) VCF-style: chr17-29528463-A-T.
Other names: c.1220A>T, p.His407Leu (NM_000267.4, NM_001128147.3); short protein forms H407L.
Identifiers: ClinVar variation 3238025 (VCV003238025.1), dbSNP rs2544799828.